The following is an entry in ClinVar:

ClinVar aggregate classification (germline): Uncertain significance. Review status: criteria provided, multiple submitters, no conflicts (2 of 4 stars). 2 submissions from 2 submitters: Uncertain significance (2). Last evaluated 2023-08-10.

Conditions:
Idiopathic generalized epilepsy. Also called: Generalised epilepsy; EIG. Identifiers: MedGen C0270850, MONDO:0005579, OMIM 600669.
Hyperaldosteronism, familial, type IV (HALD4). Also called: FH IV; ALDOSTERONISM, PRIMARY, AND HYPERTENSION. Identifiers: Orphanet 642671, MedGen C4310756, MONDO:0014875, OMIM 617027.

Allele frequency attached by ClinVar (database versions not stated): ExAC 0.00002; gnomAD exomes 0.00003; gnomAD 0.00004; TOPMed 0.00004.
gnomAD v4.1: 66 of 1,596,764 alleles (0.0041%); highest among the groups gnomAD compares: Non-Finnish European, 0.0051%; no homozygotes.

Submissions (2):

Labcorp Genetics (formerly Invitae), Labcorp
Classification: Uncertain significance for Idiopathic generalized epilepsy; Hyperaldosteronism, familial, type IV. Last evaluated: 2023-08-10. Review status: criteria provided, single submitter. Criteria: Invitae Variant Classification Sherloc (09022015). Collection method: clinical testing. Allele origin: germline.
Comment: In summary, the available evidence is currently insufficient to determine the role of this variant in disease. Therefore, it has been classified as a Variant of Uncertain Significance. Algorithms developed to predict the effect of sequence changes on RNA splicing suggest that this variant may disrupt the consensus splice site. ClinVar contains an entry for this variant (Variation ID: 377182). This variant has not been reported in the literature in individuals affected with CACNA1H-related conditions. This variant is present in population databases (rs747200195, gnomAD 0.005%). This sequence change affects codon 1248 of the CACNA1H mRNA. It is a 'silent' change, meaning that it does not change the encoded amino acid sequence of the CACNA1H protein. It affects a nucleotide within the consensus splice site.

Center for Pediatric Genomic Medicine, Children's Mercy Hospital and Clinics
Classification: Uncertain significance. Last evaluated: 2017-01-31. Review status: criteria provided, single submitter. Criteria: ACMG Guidelines, 2015. Collection method: clinical testing. Allele origin: germline.
ClinVar note: Converted during submission from Uncertain Significance to Uncertain significance.

NM_021098.3(CACNA1H):c.3744C>T (p.Asp1248=)

Gene: CACNA1H (calcium voltage-gated channel subunit alpha1 H; plus strand). Cytogenetic location: 16p13.3.
Variant type: single nucleotide variant.
Coding change: c.3744C>T on transcript NM_021098.3 (MANE Select); coding-DNA position 3744, C replaced by T.
Protein change: p.Asp1248=; no amino-acid change (aspartic acid 1248 retained).
Molecular consequence: synonymous variant.
Genome position (GRCh38, 1-based): chr16:1,209,412, C>T. VCF-style: chr16-1209412-C-T. GRCh37 (hg19) VCF-style: chr16-1259412-C-T.
Other names: c.3744C>T, p.Asp1248= (NM_001005407.2).
Identifiers: ClinVar variation 377182 (VCV000377182.6), dbSNP rs747200195, ClinGen allele CA7800880.